The following is an entry in ClinVar:

ClinVar aggregate classification (germline): Conflicting classifications of pathogenicity. Review status: criteria provided, conflicting classifications (1 of 4 stars). 6 submissions from 6 submitters: Uncertain significance (3); Benign (1); Likely benign (1). 1 of the submissions does not count toward it. Last evaluated 2025-12-11.

Conditions:
Tuberous sclerosis syndrome (TSC). Also called: Tuberous Sclerosis Complex; Tuberous sclerosis. Identifiers: Orphanet 805, MedGen C0041341, MONDO:0001734.
Isolated focal cortical dysplasia type II (FCORD2). Also called: CORTICAL DYSPLASIA OF TAYLOR; Focal cortical dysplasia type II. Identifiers: Orphanet 268994, MedGen C1846385, MONDO:0011818, OMIM 607341, HP:0032051.
Lymphangiomyomatosis (LAM). Also called: Lymphangioleiomyomatosis, somatic; Lymphangioleiomyomatosis. Identifiers: Orphanet 538, MedGen C0751674, MONDO:0011705, OMIM 606690.
Tuberous sclerosis 2 (TSC2). Identifiers: Orphanet 805, MedGen C1860707, MONDO:0013199, OMIM 613254.
Hereditary cancer-predisposing syndrome. Also called: Neoplastic Syndromes, Hereditary; Tumor predisposition; Hereditary Cancer Syndrome; Hereditary neoplastic syndrome. Identifiers: Orphanet 140162, MedGen C0027672, MeSH D009386, MONDO:0015356.

Allele frequency attached by ClinVar (database versions not stated): TOPMed 0.00001.

Submissions (6):

Ambry Genetics
Classification: Likely benign for Hereditary cancer-predisposing syndrome. Last evaluated: 2025-12-11. Review status: criteria provided, single submitter. Criteria: Ambry Variant Classification Scheme 2023. Collection method: clinical testing. Allele origin: germline.

Labcorp Genetics (formerly Invitae), Labcorp
Classification: Benign for Tuberous sclerosis 2. Last evaluated: 2025-10-07. Review status: criteria provided, single submitter. Criteria: Invitae Variant Classification Sherloc (09022015). Collection method: clinical testing. Allele origin: germline.

All of Us Research Program, National Institutes of Health
Classification: Uncertain significance for Tuberous sclerosis syndrome. Last evaluated: 2023-10-06. Review status: criteria provided, single submitter. Criteria: ACMG Guidelines, 2015. Collection method: clinical testing. Allele origin: germline. Inheritance: Autosomal dominant inheritance. Observed: 2 variant alleles, 2 heterozygotes.
Comment: This missense variant replaces glutamic acid with aspartic acid at codon 1789 of the TSC2 protein. Computational prediction is inconclusive regarding the impact of this variant on protein structure and function (internally defined REVEL score threshold 0.5 < inconclusive < 0.7, PMID: 27666373). To our knowledge, functional studies have not been reported for this variant. This variant has not been reported in individuals affected with TSC2-related disorders in the literature. This variant has not been identified in the general population by the Genome Aggregation Database (gnomAD). The available evidence is insufficient to determine the role of this variant in disease conclusively. Therefore, this variant is classified as a Variant of Uncertain Significance.

This study involves interpretation of variants in research participants for the purpose of population health screening. Participant phenotype was not available at the time of variant classification. Additional details can be found in publication PMID: 35346344, PMCID: PMC8962531

Genome-Nilou Lab
Classification: Uncertain significance for Tuberous sclerosis 2. Last evaluated: 2021-11-07. Review status: criteria provided, single submitter. Criteria: ACMG Guidelines, 2015. Collection method: clinical testing. Allele origin: germline. Affected: no.

Fulgent Genetics
Classification: Uncertain significance for Lymphangiomyomatosis; Isolated focal cortical dysplasia type II; Tuberous sclerosis 2. Last evaluated: 2021-10-20. Review status: criteria provided, single submitter. Criteria: ACMG Guidelines, 2015. Collection method: clinical testing. Allele origin: unknown.

Department of Pathology and Laboratory Medicine, Sinai Health System
Classification: Uncertain significance. Review status: no assertion criteria provided. Collection method: clinical testing. Allele origin: unknown. Affected: yes. Study: The Canadian Open Genetics Repository (COGR). Not counted in ClinVar's aggregate classification.
Comment: The TSC2 p.Glu1545Asp variant was not identified in the literature, nor was it found in the following population databases: the 1000 Genomes Project, the NHLBI GO Exome Sequencing Project, the Exome Aggregation Consortium (August 8th 2016), or the Genome Aggregation Database (Feb 27, 2017). The variant was identified in dbSNP (ID: rs966695764) and in ClinVar where it was classified by Invitae as a variant of uncertain significance for Tuberous sclerosis 2. The variant was reported in LOVD 3.0 as likely benign but was not identified in Cosmic or MutDB. Four of four in silico programs (SpliceSiteFinder-Like, MaxEntScan, NNSPLICE, and GeneSplicer) predict a greater than 10% change in splicing and loss of a non-canonical 5' splice site. Since this 5' splice site is not a canonical splice site it is unlikely that the predicted loss has any effect. The variant is located at a residue that is conserved in mammals but not in other species. Four out of five computational analyses (PolyPhen-2, SIFT, AlignGVGD, and BLOSUM) do not suggest a high likelihood of impact to the protein. However, this information is not predictive enough to rule out pathogenicity. In summary, based on the above information the clinical significance of this variant cannot be determined with certainty at this time. This variant is classified as a variant of uncertain significance.

NM_000548.5(TSC2):c.5367G>C (p.Glu1789Asp)

Gene: TSC2 (TSC complex subunit 2; plus strand). Cytogenetic location: 16p13.3.
Variant type: single nucleotide variant.
Coding change: c.5367G>C on transcript NM_000548.5 (MANE Select); coding-DNA position 5367, G replaced by C.
Protein change: p.Glu1789Asp; replaces glutamic acid 1789 with aspartic acid.
Molecular consequence: missense variant.
Genome position (GRCh38, 1-based): chr16:2,088,553, G>C. VCF-style: chr16-2088553-G-C. GRCh37 (hg19) VCF-style: chr16-2138554-G-C.
Other names: c.5166G>C, p.Glu1722Asp (NM_001077183.3); c.5298G>C, p.Glu1766Asp (NM_001114382.3); c.5058G>C, p.Glu1686Asp (NM_001318827.2); c.5022G>C, p.Glu1674Asp (NM_001318829.2); c.4635G>C, p.Glu1545Asp (NM_001318831.2); c.5199G>C, p.Glu1733Asp (NM_001318832.2); c.5169G>C, p.Glu1723Asp (NM_001363528.2); c.5235G>C, p.Glu1745Asp (NM_001370404.1); and 2 more; short protein forms E1789D, E1733D, E1742D, E1746D, E1545D, E1686D, E1723D, E1722D.
Identifiers: ClinVar variation 568482 (VCV000568482.19), dbSNP rs966695764, ClinGen allele CA394315884.
Genomic context (GRCh38, chr16:2,088,553, plus strand): 5'-CCCTCCGTCCCATAGCAAAGCCCCTGCACAGACTCCAGCCGAGCCCACACCTGGCTATGA[G>C]GTGGGCCAGCGGAAGCGCCTCATCTCCTCGGTGGAGGACTTCACCGAGTTTGTGTGAGGC-3'
Protein context (NP_000539.2, residues 1779-1799): QTPAEPTPGY[Glu1789Asp]VGQRKRLISS